The following is an entry in ClinVar:

ClinVar aggregate classification (germline): Uncertain significance (1 of 4 stars; one submission).

gnomAD v4.1: 4 of 1,613,954 alleles (0.00025%); highest among the groups gnomAD compares: African/African-American, 0.0027%; no homozygotes.

Submission:

Labcorp Genetics (formerly Invitae), Labcorp
Classification: Uncertain significance. Last evaluated: 2025-02-06. Review status: criteria provided, single submitter. Criteria: Invitae Variant Classification Sherloc (09022015). Collection method: clinical testing. Allele origin: germline.
Comment: This sequence change replaces serine, which is neutral and polar, with leucine, which is neutral and non-polar, at codon 296 of the INSR protein (p.Ser296Leu). This variant is present in population databases (no rsID available, gnomAD 0.003%). This variant has not been reported in the literature in individuals affected with INSR-related conditions. Invitae Evidence Modeling of protein sequence and biophysical properties (such as structural, functional, and spatial information, amino acid conservation, physicochemical variation, residue mobility, and thermodynamic stability) indicates that this missense variant is not expected to disrupt INSR protein function with a negative predictive value of 95%. In summary, the available evidence is currently insufficient to determine the role of this variant in disease. Therefore, it has been classified as a Variant of Uncertain Significance.

NM_000208.4(INSR):c.887C>T (p.Ser296Leu)

Gene: INSR (insulin receptor; minus strand). Cytogenetic location: 19p13.2.
Variant type: single nucleotide variant.
Coding change: c.887C>T on transcript NM_000208.4 (MANE Select); coding-DNA position 887, C replaced by T.
Protein change: p.Ser296Leu; replaces serine 296 with leucine.
Molecular consequence: missense variant.
Genome position (GRCh38, 1-based): chr19:7,184,403, G>A on the plus strand (C>T on the coding strand, the complement: INSR is on the minus strand). VCF-style: chr19-7184403-G-A. GRCh37 (hg19) VCF-style: chr19-7184414-G-A.
Other names: c.887C>T, p.Ser296Leu (NM_001079817.3); short protein forms S296L.
Identifiers: ClinVar variation 4771331 (VCV004771331.1).